The following is an entry in ClinVar:

ClinVar aggregate classification (germline): Benign/Likely benign. Review status: criteria provided, multiple submitters, no conflicts (2 of 4 stars). 7 submissions from 7 submitters: Benign (2); Likely benign (5). Last evaluated 2026-01-19.

Conditions:
Menke-Hennekam syndrome 1 (MKHK1). Identifiers: MedGen C5193034, MONDO:0020763, OMIM 618332.
Rubinstein-Taybi syndrome due to CREBBP mutations (RSTS1). Also called: RUBINSTEIN SYNDROME; RUBINSTEIN-TAYBI SYNDROME 1, INCOMPLETE; BROAD THUMB-HALLUX SYNDROME; Rubinstein-Taybi syndrome 1; BROAD THUMBS AND GREAT TOES, CHARACTERISTIC FACIES, AND IMPAIRED INTELLECTUAL DEVELOPMENT; CREBBP-Related Rubinstein-Taybi Syndrome. Identifiers: Orphanet 353277, Orphanet 783, MedGen C4551859, MONDO:0008393, OMIM 180849.
Rubinstein-Taybi syndrome (RSTS). Identifiers: Orphanet 783, MedGen C0035934, MONDO:0019188.

Allele frequency attached by ClinVar (database versions not stated): 1000 Genomes Project 30x 0.00016; 1000 Genomes Project 0.00020; ESP Exome Variant Server 0.00054; gnomAD 0.00070; TOPMed 0.00083.
gnomAD v4.1: 1,058 of 1,606,598 alleles (0.066%); highest among the groups gnomAD compares: Admixed American, 0.11%; 1 homozygote.

Submissions (7):

Labcorp Genetics (formerly Invitae), Labcorp
Classification: Benign for Rubinstein-Taybi syndrome. Last evaluated: 2026-01-19. Review status: criteria provided, single submitter. Criteria: Invitae Variant Classification Sherloc (09022015). Collection method: clinical testing. Allele origin: germline.

CeGaT Center for Human Genetics Tuebingen
Classification: Likely benign. Last evaluated: 2026-01-01. Review status: criteria provided, single submitter. Criteria: CeGaT Center For Human Genetics Tuebingen Variant Classification Criteria Version 2. Collection method: clinical testing. Allele origin: germline. Affected: yes. Observed: 9 variant alleles.
Comment: CREBBP: BP4, BS1

Blueprint Genetics
Classification: Likely benign. Last evaluated: 2024-11-14. Review status: criteria provided, single submitter. Criteria: ACMG Guidelines, 2015. Collection method: clinical testing. Allele origin: germline.

Fulgent Genetics
Classification: Likely benign for Rubinstein-Taybi syndrome due to CREBBP mutations; Menke-Hennekam syndrome 1. Last evaluated: 2021-08-25. Review status: criteria provided, single submitter. Criteria: ACMG Guidelines, 2015. Collection method: clinical testing. Allele origin: unknown.

Eurofins Ntd Llc (ga)
Classification: Likely benign. Last evaluated: 2018-04-17. Review status: criteria provided, single submitter. Criteria: EGL ClinVar v180209 classification definitions. Collection method: clinical testing. Allele origin: germline. Observed: 3 variant alleles, 3 heterozygotes.

GeneDx
Classification: Benign. Last evaluated: 2015-03-03. Review status: criteria provided, single submitter. Criteria: GeneDx Variant Classification Process June 2021. Collection method: clinical testing. Allele origin: germline. Affected: yes.

Breakthrough Genomics
Classification: Likely benign. Review status: criteria provided, single submitter. Criteria: ACMG Guidelines, 2015. Collection method: not provided. Allele origin: germline. Inheritance: Autosomal dominant inheritance. Affected: yes.

NM_004380.3(CREBBP):c.3698+7G>A

Gene: CREBBP (CREB binding lysine acetyltransferase; minus strand). Cytogenetic location: 16p13.3.
Variant type: single nucleotide variant.
Coding change: c.3698+7G>A on transcript NM_004380.3 (MANE Select); 7 bases into the intron after coding-DNA position 3698, G replaced by A.
Molecular consequence: intron variant.
Genome position (GRCh38, 1-based): chr16:3,757,281, C>T on the plus strand (G>A on the coding strand, the complement: CREBBP is on the minus strand). VCF-style: chr16-3757281-C-T. GRCh37 (hg19) VCF-style: chr16-3807282-C-T.
Other names: c.3584+7G>A (NM_001079846.1).
Identifiers: ClinVar variation 194955 (VCV000194955.43), dbSNP rs374345970, ClinGen allele CA241202.